The following is an entry in ClinVar:

NM_001142416.2(AIMP1):c.-25-6C>A

Gene: AIMP1 (aminoacyl tRNA synthetase complex interacting multifunctional protein 1; plus strand). Cytogenetic location: 4q24.
Variant type: single nucleotide variant.
Coding change: c.-25-6C>A on transcript NM_001142416.2 (MANE Select); 6 bases into the intron before 25 bases upstream of the start codon, C replaced by A.
Molecular consequence: intron variant.
Genome position (GRCh38, 1-based): chr4:106,324,979, C>A. VCF-style: chr4-106324979-C-A. GRCh37 (hg19) VCF-style: chr4-107246136-C-A.
Other names: NC_000004.11:g.107246136C>A; c.-25-6C>A (NM_001142415.2, NM_004757.4).
Identifiers: ClinVar variation 1279491 (VCV001279491.6), dbSNP rs3737498, ClinGen allele CA3035596.
Genomic context (GRCh38, chr4:106,324,979, plus strand): 5'-ATAGTGGCCTATAGTATAAATTTATTCCTTTCACAGTGTAATTTATCACTTTTATTTTTC[C>A]TATAGGATTTTCTGCCGTCTCTTGGCAAAAATGGCAAATAATGATGCTGTTCTGAAGAGA-3'

ClinVar aggregate classification (germline): Benign/Likely benign. Review status: criteria provided, multiple submitters, no conflicts (2 of 4 stars). 4 submissions from 4 submitters: Benign (3); Likely benign (1). Last evaluated 2024-11-26.

Allele frequency attached by ClinVar (database versions not stated): TOPMed 0.16070; gnomAD 0.16564 and 0.16769; ESP Exome Variant Server 0.16656; gnomAD exomes 0.17290 and 0.17685; 1000 Genomes Project 0.18111; 1000 Genomes Project 30x 0.18114; ExAC 0.22019.
gnomAD v4.1: 279,038 of 1,585,592 alleles (18%); highest among the groups gnomAD compares: South Asian, 25%; 25,421 homozygotes.

Submissions 1 to 30 of 47:

Blueprint Genetics
Classification: Likely benign. Last evaluated: 2024-11-26. Review status: criteria provided, single submitter. Criteria: ACMG Guidelines, 2015. Collection method: clinical testing. Allele origin: germline.

Unidad de Genómica Garrahan, Hospital de Pediatría Garrahan
Classification: Benign. Last evaluated: 2024-07-15. Review status: criteria provided, single submitter. Criteria: ACMG Guidelines, 2015. Collection method: clinical testing. Allele origin: germline. Affected: no. Observed: 22 variant alleles.
Comment: This variant is classified as Benign based on local population frequency. This variant was detected in 24% of patients studied in a panel designed for Epileptic and Developmental Encephalopathy and Progressive Myoclonus Epilepsy. Number of patients: 22. Only high quality variants are reported.

GeneDx
Classification: Benign. Last evaluated: 2018-11-10. Review status: criteria provided, single submitter. Criteria: GeneDx Variant Classification Process June 2021. Collection method: clinical testing. Allele origin: germline. Affected: yes.

Breakthrough Genomics
Classification: Benign. Review status: criteria provided, single submitter. Criteria: ACMG Guidelines, 2015. Collection method: not provided. Allele origin: germline. Inheritance: Autosomal recessive inheritance. Affected: yes.

Dr. Peter K. Rogan Lab, Western University
No classification provided (evidence only). Condition: Familial cancer of breast. Review status: no classification provided. Collection method: in vitro. Allele origin: not applicable. Functional consequence: skipped exon. Not counted in ClinVar's aggregate classification.

Dr. Peter K. Rogan Lab, Western University
No classification provided (evidence only). Condition: Malignant lymphoma, large B-cell, diffuse. Review status: no classification provided. Collection method: in vitro. Allele origin: not applicable. Functional consequence: retained intron. Not counted in ClinVar's aggregate classification.

Dr. Peter K. Rogan Lab, Western University
No classification provided (evidence only). Condition: Malignant lymphoma, large B-cell, diffuse. Review status: no classification provided. Collection method: in vitro. Allele origin: not applicable. Functional consequence: retained intron. Not counted in ClinVar's aggregate classification.

Dr. Peter K. Rogan Lab, Western University
No classification provided (evidence only). Condition: Malignant lymphoma, large B-cell, diffuse. Review status: no classification provided. Collection method: in vitro. Allele origin: not applicable. Functional consequence: retained intron. Not counted in ClinVar's aggregate classification.

Dr. Peter K. Rogan Lab, Western University
No classification provided (evidence only). Condition: Malignant lymphoma, large B-cell, diffuse. Review status: no classification provided. Collection method: in vitro. Allele origin: not applicable. Functional consequence: retained intron. Not counted in ClinVar's aggregate classification.

Dr. Peter K. Rogan Lab, Western University
No classification provided (evidence only). Condition: Germ cell tumor of testis. Review status: no classification provided. Collection method: in vitro. Allele origin: not applicable. Functional consequence: retained intron. Not counted in ClinVar's aggregate classification.

Dr. Peter K. Rogan Lab, Western University
No classification provided (evidence only). Condition: Uterine carcinosarcoma. Review status: no classification provided. Collection method: in vitro. Allele origin: not applicable. Functional consequence: retained intron. Not counted in ClinVar's aggregate classification.

Dr. Peter K. Rogan Lab, Western University
No classification provided (evidence only). Condition: Uterine carcinosarcoma. Review status: no classification provided. Collection method: in vitro. Allele origin: not applicable. Functional consequence: retained intron. Not counted in ClinVar's aggregate classification.

Dr. Peter K. Rogan Lab, Western University
No classification provided (evidence only). Condition: Uterine carcinosarcoma. Review status: no classification provided. Collection method: in vitro. Allele origin: not applicable. Functional consequence: retained intron. Not counted in ClinVar's aggregate classification.

Dr. Peter K. Rogan Lab, Western University
No classification provided (evidence only). Condition: Uterine carcinosarcoma. Review status: no classification provided. Collection method: in vitro. Allele origin: not applicable. Functional consequence: skipped exon. Not counted in ClinVar's aggregate classification.

Dr. Peter K. Rogan Lab, Western University
No classification provided (evidence only). Condition: Uveal melanoma. Review status: no classification provided. Collection method: in vitro. Allele origin: not applicable. Functional consequence: skipped exon. Not counted in ClinVar's aggregate classification.

Dr. Peter K. Rogan Lab, Western University
No classification provided (evidence only). Condition: Uveal melanoma. Review status: no classification provided. Collection method: in vitro. Allele origin: not applicable. Functional consequence: skipped exon, retained intron. Not counted in ClinVar's aggregate classification.

Dr. Peter K. Rogan Lab, Western University
No classification provided (evidence only). Condition: Uveal melanoma. Review status: no classification provided. Collection method: in vitro. Allele origin: not applicable. Functional consequence: skipped exon, retained intron. Not counted in ClinVar's aggregate classification.

Dr. Peter K. Rogan Lab, Western University
No classification provided (evidence only). Condition: Chronic lymphocytic leukemia/small lymphocytic lymphoma. Review status: no classification provided. Collection method: in vitro. Allele origin: not applicable. Functional consequence: retained intron. Not counted in ClinVar's aggregate classification.

Dr. Peter K. Rogan Lab, Western University
No classification provided (evidence only). Condition: Chronic lymphocytic leukemia/small lymphocytic lymphoma. Review status: no classification provided. Collection method: in vitro. Allele origin: not applicable. Functional consequence: retained intron. Not counted in ClinVar's aggregate classification.

Dr. Peter K. Rogan Lab, Western University
No classification provided (evidence only). Condition: Chronic lymphocytic leukemia/small lymphocytic lymphoma. Review status: no classification provided. Collection method: in vitro. Allele origin: not applicable. Functional consequence: skipped exon, retained intron. Not counted in ClinVar's aggregate classification.

Dr. Peter K. Rogan Lab, Western University
No classification provided (evidence only). Condition: Chronic lymphocytic leukemia/small lymphocytic lymphoma. Review status: no classification provided. Collection method: in vitro. Allele origin: not applicable. Functional consequence: skipped exon, retained intron. Not counted in ClinVar's aggregate classification.

Dr. Peter K. Rogan Lab, Western University
No classification provided (evidence only). Condition: Chronic lymphocytic leukemia/small lymphocytic lymphoma. Review status: no classification provided. Collection method: in vitro. Allele origin: not applicable. Functional consequence: retained intron. Not counted in ClinVar's aggregate classification.

Dr. Peter K. Rogan Lab, Western University
No classification provided (evidence only). Condition: Chronic lymphocytic leukemia/small lymphocytic lymphoma. Review status: no classification provided. Collection method: in vitro. Allele origin: not applicable. Functional consequence: retained intron. Not counted in ClinVar's aggregate classification.

Dr. Peter K. Rogan Lab, Western University
No classification provided (evidence only). Condition: Chronic lymphocytic leukemia/small lymphocytic lymphoma. Review status: no classification provided. Collection method: in vitro. Allele origin: not applicable. Functional consequence: retained intron. Not counted in ClinVar's aggregate classification.

Dr. Peter K. Rogan Lab, Western University
No classification provided (evidence only). Condition: Chronic lymphocytic leukemia/small lymphocytic lymphoma. Review status: no classification provided. Collection method: in vitro. Allele origin: not applicable. Functional consequence: skipped exon, retained intron. Not counted in ClinVar's aggregate classification.

Dr. Peter K. Rogan Lab, Western University
No classification provided (evidence only). Condition: Chronic lymphocytic leukemia/small lymphocytic lymphoma. Review status: no classification provided. Collection method: in vitro. Allele origin: not applicable. Functional consequence: retained intron. Not counted in ClinVar's aggregate classification.

Dr. Peter K. Rogan Lab, Western University
No classification provided (evidence only). Condition: Chronic lymphocytic leukemia/small lymphocytic lymphoma. Review status: no classification provided. Collection method: in vitro. Allele origin: not applicable. Functional consequence: skipped exon, retained intron. Not counted in ClinVar's aggregate classification.

Dr. Peter K. Rogan Lab, Western University
No classification provided (evidence only). Condition: Chronic lymphocytic leukemia/small lymphocytic lymphoma. Review status: no classification provided. Collection method: in vitro. Allele origin: not applicable. Functional consequence: retained intron. Not counted in ClinVar's aggregate classification.

Dr. Peter K. Rogan Lab, Western University
No classification provided (evidence only). Condition: Chronic lymphocytic leukemia/small lymphocytic lymphoma. Review status: no classification provided. Collection method: in vitro. Allele origin: not applicable. Functional consequence: retained intron. Not counted in ClinVar's aggregate classification.

Dr. Peter K. Rogan Lab, Western University
No classification provided (evidence only). Condition: Chronic lymphocytic leukemia/small lymphocytic lymphoma. Review status: no classification provided. Collection method: in vitro. Allele origin: not applicable. Functional consequence: retained intron. Not counted in ClinVar's aggregate classification.